The following is an entry in ClinVar:

NM_152383.5(DIS3L2):c.2641G>C (p.Asp881His)

Gene: DIS3L2 (DIS3 like 3'-5' exoribonuclease 2; plus strand). Cytogenetic location: 2q37.1.
Variant type: single nucleotide variant.
Coding change: c.2641G>C on transcript NM_152383.5 (MANE Select); coding-DNA position 2641, G replaced by C.
Protein change: p.Asp881His; replaces aspartic acid 881 with histidine.
Molecular consequence: missense variant. On other transcripts: non-coding transcript variant (2), intron variant (1).
Genome position (GRCh38, 1-based): chr2:232,336,613, G>C. VCF-style: chr2-232336613-G-C. GRCh37 (hg19) VCF-style: chr2-233201323-G-C.
Other names: c.1582-6732G>C (NM_001257281.2); short protein forms D881H.
Identifiers: ClinVar variation 2815343 (VCV002815343.3), dbSNP rs1695959759, ClinGen allele CA350979129.

ClinVar aggregate classification (germline): Uncertain significance (1 of 4 stars; one submission).

Conditions:
Perlman syndrome (PRLMNS). Identifiers: Orphanet 2849, MedGen C0796113, MONDO:0009965, OMIM 267000.

Submission:

Labcorp Genetics (formerly Invitae), Labcorp
Classification: Uncertain significance for Perlman syndrome. Last evaluated: 2023-02-14. Review status: criteria provided, single submitter. Criteria: Invitae Variant Classification Sherloc (09022015). Collection method: clinical testing. Allele origin: germline.
Comment: This sequence change replaces aspartic acid, which is acidic and polar, with histidine, which is basic and polar, at codon 881 of the DIS3L2 protein (p.Asp881His). In summary, the available evidence is currently insufficient to determine the role of this variant in disease. Therefore, it has been classified as a Variant of Uncertain Significance. Algorithms developed to predict the effect of missense changes on protein structure and function are either unavailable or do not agree on the potential impact of this missense change (SIFT: "Tolerated"; PolyPhen-2: "Not Available"; Align-GVGD: "Class C0"). This variant has not been reported in the literature in individuals affected with DIS3L2-related conditions. This variant is not present in population databases (gnomAD no frequency).